The following is an entry in ClinVar:

NM_000245.4(MET):c.3798+9T>C

Gene: MET (MET proto-oncogene, receptor tyrosine kinase; plus strand). Cytogenetic location: 7q31.2.
Variant type: single nucleotide variant.
Coding change: c.3798+9T>C on transcript NM_000245.4 (MANE Select); 9 bases into the intron after coding-DNA position 3798, T replaced by C.
Molecular consequence: intron variant.
Genome position (GRCh38, 1-based): chr7:116,783,478, T>C. VCF-style: chr7-116783478-T-C. GRCh37 (hg19) VCF-style: chr7-116423532-T-C.
Other names: c.3852+9T>C (NM_001127500.3); c.2508+9T>C (NM_001324402.2).
Identifiers: ClinVar variation 2166100 (VCV002166100.6), dbSNP rs781051400, ClinGen allele CA4448772.

ClinVar aggregate classification (germline): Likely benign. Review status: criteria provided, multiple submitters, no conflicts (2 of 4 stars). 3 submissions from 3 submitters: Likely benign (3). Last evaluated 2025-06-10.

Conditions:
Renal cell carcinoma. Identifiers: Orphanet 217071, MedGen C0007134, MeSH D002292, MONDO:0005086, HP:0005584.
Papillary renal cell carcinoma type 1 (RCCP1). Also called: RENAL CELL CARCINOMA, PAPILLARY, 1, SOMATIC; Renal adenocarcinoma; Renal cell carcinoma 1; Renal cell carcinoma, somatic. Identifiers: Orphanet 47044, MedGen C1336839, OMIM 605074, HP:0011797.

Allele frequency attached by ClinVar (database versions not stated): TOPMed below 0.00001; ExAC 0.00001; gnomAD exomes 0.00001.
gnomAD v4.1: 6 of 1,614,094 alleles (0.00037%); highest among the groups gnomAD compares: South Asian, 0.0066%; no homozygotes.

Submissions (3):

Labcorp Genetics (formerly Invitae), Labcorp
Classification: Likely benign for Renal cell carcinoma. Last evaluated: 2025-06-10. Review status: criteria provided, single submitter. Criteria: Invitae Variant Classification Sherloc (09022015). Collection method: clinical testing. Allele origin: germline.

Center for Genomic Medicine, Rigshospitalet, Copenhagen University Hospital
Classification: Likely benign. Last evaluated: 2025-03-04. Review status: criteria provided, single submitter. Criteria: ACMG Guidelines, 2015. Collection method: clinical testing. Allele origin: germline.

Myriad Genetics, Inc.
Classification: Likely benign for Papillary renal cell carcinoma type 1. Last evaluated: 2024-11-14. Review status: criteria provided, single submitter. Criteria: Myriad Autosomal Dominant, Autosomal Recessive and X-Linked Classification Criteria (2023). Collection method: clinical testing. Allele origin: unknown.
Comment: This variant is considered likely benign. This variant is intronic and is not expected to impact mRNA splicing.